The following is an entry in ClinVar:

NM_001048174.2(MUTYH):c.1185del (p.Glu395fs)

Gene: MUTYH (mutY DNA glycosylase; minus strand). Cytogenetic location: 1p34.1.
Variant type: Deletion.
Coding change: c.1185del on transcript NM_001048174.2 (MANE Select); coding-DNA position 1185, one base deleted (A; older notation c.1185delA).
Protein change: p.Glu395fs; shifts the reading frame from glutamic acid 395.
Molecular consequence: frameshift variant. On other transcripts: non-coding transcript variant (2).
Genome position (GRCh38, 1-based): chr1:45,331,474, T deleted on the plus strand (A on the coding strand, the reverse complement: MUTYH is on the minus strand); the first of 2 consecutive T bases (chr1:45,331,474-45,331,475); deleting either gives the same sequence. VCF-style (leftmost placement, unchanged base first): chr1-45331473-GT-G. GRCh37 (hg19) VCF-style: chr1-45797145-GT-G.
Other names: c.1185del, p.Glu395fs (NM_001048171.2, NM_001048173.2, NM_001293195.2); c.1188del, p.Glu396fs (NM_001048172.2); c.1269del, p.Glu423fs (NM_001128425.2); c.1230del, p.Glu410fs (NM_001293190.2); c.1218del, p.Glu406fs (NM_001293191.2); c.909del, p.Glu303fs (NM_001293192.2, NM_001293196.2); c.840del, p.Glu280fs (NM_001350650.2, NM_001350651.2); c.1260del, p.Glu420fs (NM_012222.3); and 1 more; short protein forms E303fs, E396fs, E280fs, E423fs, E406fs, E410fs, E395fs, E420fs.
Identifiers: ClinVar variation 1454604 (VCV001454604.7), dbSNP rs2149119265, ClinGen allele CA2573132061.

ClinVar aggregate classification (germline): Pathogenic. Review status: criteria provided, multiple submitters, no conflicts (2 of 4 stars). 2 submissions from 2 submitters: Pathogenic (2). Last evaluated 2024-01-25.

Conditions:
Hereditary cancer-predisposing syndrome. Also called: Hereditary Cancer Syndrome; Neoplastic Syndromes, Hereditary; Hereditary neoplastic syndrome; Tumor predisposition. Identifiers: Orphanet 140162, MedGen C0027672, MeSH D009386, MONDO:0015356.
Familial adenomatous polyposis 2. Also called: COLORECTAL ADENOMATOUS POLYPOSIS, AUTOSOMAL RECESSIVE; ADENOMAS, MULTIPLE COLORECTAL, AUTOSOMAL RECESSIVE; MUTYH-associated polyposis; MUTYH Polyposis; Adenomas, multiple colorectal; MUTYH-related attenuated familial adenomatous polyposis. Identifiers: Orphanet 220460, Orphanet 247798, MedGen C3272841, MONDO:0012041, OMIM 608456.

Submissions (2):

Ambry Genetics
Classification: Pathogenic for Hereditary cancer-predisposing syndrome. Last evaluated: 2024-01-25. Review status: criteria provided, single submitter. Criteria: Ambry Variant Classification Scheme 2023. Collection method: clinical testing. Allele origin: germline.
Comment: The c.1269delA pathogenic mutation, located in coding exon 13 of the MUTYH gene, results from a deletion of one nucleotide at nucleotide position 1269, causing a translational frameshift with a predicted alternate stop codon (p.E423Dfs*29). This alteration is expected to result in loss of function by premature protein truncation or nonsense-mediated mRNA decay. As such, this alteration is interpreted as a disease-causing mutation.

Labcorp Genetics (formerly Invitae), Labcorp
Classification: Pathogenic for Familial adenomatous polyposis 2. Last evaluated: 2021-06-01. Review status: criteria provided, single submitter. Criteria: Invitae Variant Classification Sherloc (09022015). Collection method: clinical testing. Allele origin: germline.
Comment: This sequence change creates a premature translational stop signal (p.Glu423Aspfs*29) in the MUTYH gene. It is expected to result in an absent or disrupted protein product. Loss-of-function variants in MUTYH are known to be pathogenic (PMID: 18534194, 20663686). For these reasons, this variant has been classified as Pathogenic. This variant has not been reported in the literature in individuals with MUTYH-related conditions. This variant is not present in population databases (ExAC no frequency).

Literature cited by the submitters: PubMed 18534194 (cited by Labcorp Genetics (formerly Invitae), Labcorp); PubMed 20663686 (cited by Labcorp Genetics (formerly Invitae), Labcorp).